The following is an entry in ClinVar:

ClinVar aggregate classification (germline): Benign/Likely benign. Review status: criteria provided, multiple submitters, no conflicts (2 of 4 stars). 3 submissions from 3 submitters: Benign (1); Likely benign (2). Last evaluated 2025-09-28.

Conditions:
Hereditary cancer-predisposing syndrome. Also called: Neoplastic Syndromes, Hereditary; Tumor predisposition; Hereditary Cancer Syndrome; Hereditary neoplastic syndrome. Identifiers: Orphanet 140162, MedGen C0027672, MeSH D009386, MONDO:0015356.
Oligodontia-cancer predisposition syndrome. Also called: TOOTH AGENESIS-COLORECTAL CANCER SYNDROME. Identifiers: Orphanet 300576, MedGen C1837750, MONDO:0012075, OMIM 608615. Disease mechanism: loss of function.

Allele frequency attached by ClinVar (database versions not stated): TOPMed below 0.00001.

Submissions (3):

Labcorp Genetics (formerly Invitae), Labcorp
Classification: Likely benign for Oligodontia-cancer predisposition syndrome. Last evaluated: 2025-09-28. Review status: criteria provided, single submitter. Criteria: Invitae Variant Classification Sherloc (09022015). Collection method: clinical testing. Allele origin: germline.

Myriad Genetics, Inc.
Classification: Benign for Oligodontia-cancer predisposition syndrome. Last evaluated: 2024-07-09. Review status: criteria provided, single submitter. Criteria: Myriad Autosomal Dominant, Autosomal Recessive and X-Linked Classification Criteria (2023). Collection method: clinical testing. Allele origin: unknown.
Comment: This variant is considered benign. This variant is a silent/synonymous amino acid change and it is not expected to impact splicing.

Ambry Genetics
Classification: Likely benign for Hereditary cancer-predisposing syndrome. Last evaluated: 2020-11-12. Review status: criteria provided, single submitter. Criteria: Ambry Variant Classification Scheme 2023. Collection method: clinical testing. Allele origin: germline.

NM_004655.4(AXIN2):c.2089C>T (p.Leu697=)

Gene: AXIN2 (axin 2; minus strand). Cytogenetic location: 17q24.1.
Variant type: single nucleotide variant.
Coding change: c.2089C>T on transcript NM_004655.4 (MANE Select); coding-DNA position 2089, C replaced by T.
Protein change: p.Leu697=; no amino-acid change (leucine 697 retained).
Molecular consequence: synonymous variant.
Genome position (GRCh38, 1-based): chr17:65,536,372, G>A on the plus strand (C>T on the coding strand, the complement: AXIN2 is on the minus strand). VCF-style: chr17-65536372-G-A. GRCh37 (hg19) VCF-style: chr17-63532490-G-A.
Other names: c.1894C>T, p.Leu632= (NM_001363813.1).
Identifiers: ClinVar variation 1785685 (VCV001785685.6), dbSNP rs2043915137, ClinGen allele CA501690905.